The following is an entry in ClinVar:

NM_170743.4(IFNLR1):c.988G>A (p.Asp330Asn)

Gene: IFNLR1 (interferon lambda receptor 1; minus strand). Cytogenetic location: 1p36.11.
Variant type: single nucleotide variant.
Coding change: c.988G>A on transcript NM_170743.4 (MANE Select); coding-DNA position 988, G replaced by A.
Protein change: p.Asp330Asn; replaces aspartic acid 330 with asparagine.
Molecular consequence: missense variant. On other transcripts: 3 prime UTR variant (1).
Genome position (GRCh38, 1-based): chr1:24,157,705, C>T on the plus strand (G>A on the coding strand, the complement: IFNLR1 is on the minus strand). VCF-style: chr1-24157705-C-T. GRCh37 (hg19) VCF-style: chr1-24484195-C-T.
Other names: c.901G>A, p.Asp301Asn (NM_173064.3); c.*122G>A (NM_173065.3); short protein forms D301N, D330N.
Identifiers: ClinVar variation 3035712 (VCV003035712.2), dbSNP rs116722436, ClinGen allele CA689470.

ClinVar aggregate classification (germline): Benign (0 of 4 stars; one submission).

Conditions:
IFNLR1-related disorder. Also called: IFNLR1-related condition.

Allele frequency attached by ClinVar (database versions not stated): ESP Exome Variant Server 0.00161; gnomAD 0.00223; TOPMed 0.00257; 1000 Genomes Project 0.00319; 1000 Genomes Project 30x 0.00344.
gnomAD v4.1: 677 of 1,613,996 alleles (0.042%); highest among the groups gnomAD compares: African/African-American, 0.82%; 8 homozygotes.

Submission:

PreventionGenetics, part of Exact Sciences
Classification: Benign for IFNLR1-related condition. Last evaluated: 2019-07-30. Review status: no assertion criteria provided. Collection method: clinical testing. Allele origin: germline.
Comment: This variant is classified as benign based on ACMG/AMP sequence variant interpretation guidelines (Richards et al. 2015 PMID: 25741868, with internal and published modifications).